The following is an entry in ClinVar:

ClinVar aggregate classification (germline): Uncertain significance. Review status: criteria provided, multiple submitters, no conflicts (2 of 4 stars). 3 submissions from 3 submitters: Uncertain significance (3). Last evaluated 2024-06-17.

Conditions:
Polycystic kidney disease, adult type (PKD1). Also called: POLYCYSTIC KIDNEY DISEASE 1 WITH OR WITHOUT POLYCYSTIC LIVER DISEASE; POLYCYSTIC KIDNEY DISEASE, ADULT, TYPE I; Polycystic Kidney Disease 1, Autosomal Dominant; Polycystic kidney disease 1; Polycystic kidney disease 1, severe; Polycystic Kidney, Autosomal Dominant. Identifiers: MedGen C3149841, MONDO:0008263, OMIM 173900.

Allele frequency attached by ClinVar (database versions not stated): gnomAD exomes below 0.00001; TOPMed 0.00002; gnomAD 0.00003.
gnomAD v4.1: 63 of 1,585,982 alleles (0.004%); highest among the groups gnomAD compares: Non-Finnish European, 0.0051%; no homozygotes.

Submissions (3):

Fulgent Genetics
Classification: Uncertain significance for Polycystic kidney disease, adult type. Last evaluated: 2024-06-17. Review status: criteria provided, single submitter. Criteria: ACMG Guidelines, 2015. Collection method: clinical testing. Allele origin: germline.

Daryl Scott Lab, Baylor College of Medicine
Classification: Uncertain significance for Polycystic kidney disease, adult type. Last evaluated: 2024-01-01. Review status: criteria provided, single submitter. Criteria: ACMG Guidelines, 2015. Collection method: clinical testing. Allele origin: maternal. Observed: 1 heterozygote.
Comment: PM3, BP4

Baylor Genetics
Classification: Uncertain significance for Polycystic kidney disease, adult type. Last evaluated: 2018-05-02. Review status: criteria provided, single submitter. Criteria: ACMG Guidelines, 2015. Collection method: clinical testing. Allele origin: maternal. Affected: yes.
Comment: This variant was determined to be of uncertain significance according to ACMG Guidelines, 2015 [PMID:25741868].

NM_001009944.3(PKD1):c.11157-9C>G

Genes: PKD1 (polycystin 1, transient receptor potential channel interacting; minus strand), PKD1-AS1 (PKD1 antisense RNA 1; plus strand). Cytogenetic location: 16p13.3.
Variant type: single nucleotide variant.
Coding change: c.11157-9C>G on transcript NM_001009944.3 (MANE Select); 9 bases into the intron before coding-DNA position 11157, C replaced by G.
Molecular consequence: intron variant.
Genome position (GRCh38, 1-based): chr16:2,092,601, G>C on the plus strand (C>G on the coding strand, the complement: PKD1 is on the minus strand). VCF-style: chr16-2092601-G-C. GRCh37 (hg19) VCF-style: chr16-2142602-G-C.
Other names: c.11154-9C>G (NM_000296.4).
Identifiers: ClinVar variation 1033192 (VCV001033192.3), dbSNP rs1191413154, ClinGen allele CA620380617.